The following is an entry in ClinVar:

NM_000722.4(CACNA2D1):c.1739A>G (p.Tyr580Cys)

Gene: CACNA2D1 (calcium voltage-gated channel auxiliary subunit alpha2delta 1; minus strand). Cytogenetic location: 7q21.11.
Variant type: single nucleotide variant.
Coding change: c.1739A>G on transcript NM_000722.4 (MANE Select); coding-DNA position 1739, A replaced by G.
Protein change: p.Tyr580Cys; replaces tyrosine 580 with cysteine.
Molecular consequence: missense variant.
Genome position (GRCh38, 1-based): chr7:81,991,242, T>C on the plus strand (A>G on the coding strand, the complement: CACNA2D1 is on the minus strand). VCF-style: chr7-81991242-T-C. GRCh37 (hg19) VCF-style: chr7-81620558-T-C.
Other names: c.1796A>G, p.Tyr599Cys (NM_001366867.1); short protein forms Y599C, Y580C.
Identifiers: ClinVar variation 4727622 (VCV004727622.1).

ClinVar aggregate classification (germline): Uncertain significance (1 of 4 stars; one submission).

Conditions:
Brugada syndrome. Also called: Sudden unexpected nocturnal death syndrome; Sudden Unexplained Nocturnal Death Syndrome (SUNDS); Sudden unexplained nocturnal death syndrome; Sudden Unexplained Death Syndrome. Identifiers: Orphanet 130, MedGen C1142166, MONDO:0015263.

Submission:

Labcorp Genetics (formerly Invitae), Labcorp
Classification: Uncertain significance for Brugada syndrome. Last evaluated: 2025-11-03. Review status: criteria provided, single submitter. Criteria: Invitae Variant Classification Sherloc (09022015). Collection method: clinical testing. Allele origin: germline.
Comment: This sequence change replaces tyrosine, which is neutral and polar, with cysteine, which is neutral and slightly polar, at codon 580 of the CACNA2D1 protein (p.Tyr580Cys). This variant is not present in population databases (gnomAD no frequency). This variant has not been reported in the literature in individuals affected with CACNA2D1-related conditions. An algorithm developed to predict the effect of missense changes on protein structure and function (PolyPhen-2) suggests that this variant is likely to be disruptive. In summary, the available evidence is currently insufficient to determine the role of this variant in disease. Therefore, it has been classified as a Variant of Uncertain Significance.